The following is an entry in ClinVar:

NM_018367.7(ACER3):c.193G>C (p.Ala65Pro)

Gene: ACER3 (alkaline ceramidase 3; plus strand). Cytogenetic location: 11q13.5.
Variant type: single nucleotide variant.
Coding change: c.193G>C on transcript NM_018367.7 (MANE Select); coding-DNA position 193, G replaced by C.
Protein change: p.Ala65Pro; replaces alanine 65 with proline.
Molecular consequence: missense variant. On other transcripts: 5 prime UTR variant (2), intron variant (1).
Genome position (GRCh38, 1-based): chr11:76,926,646, G>C. VCF-style: chr11-76926646-G-C. GRCh37 (hg19) VCF-style: chr11-76637690-G-C.
Other names: NM_001300955.2:c.-40G>C; c.-164G>C (NM_001300954.2); c.-40G>C (NM_001300955.2); c.104-32333G>C (NM_001300953.2); short protein forms A65P.
Identifiers: ClinVar variation 3383277 (VCV003383277.1).

ClinVar aggregate classification (germline): Uncertain significance (1 of 4 stars; one submission).

Conditions:
Neuromuscular disease. Also called: Neuromuscular disorder; Neuromyopathy. Identifiers: Orphanet 68381, MedGen C0027868, MeSH D009468, MONDO:0019056.

Submission:

Broad Center for Mendelian Genomics, Broad Institute of MIT and Harvard
Classification: Uncertain significance for Neuromuscular disease. Last evaluated: 2024-11-22. Review status: criteria provided, single submitter. Criteria: ACMG Guidelines, 2015. Collection method: curation. Allele origin: germline. Inheritance: Autosomal recessive inheritance. Study: GREGoR Consortium.
Comment: While this gene is still lacking sufficient evidence to establish a gene-disease relationship, we believe this is a possible novel gene candidate for neuromuscular disease. Given the limited information about this gene-disease relationship, the significance of the p.Ala65Pro variant is uncertain. If you have any additional information about functional evidence or other individuals with this phenotype that also have variants in ACER3 we encourage you to reach out to us.